The following is an entry in ClinVar:

ClinVar aggregate classification (germline): Pathogenic (1 of 4 stars; one submission).

Conditions:
Duchenne muscular dystrophy (DMD). Also called: MUSCULAR DYSTROPHY, PSEUDOHYPERTROPHIC PROGRESSIVE, DUCHENNE TYPE; Duchenne Muscular Dystrophy (DMD). Identifiers: Orphanet 98896, MedGen C0013264, MONDO:0010679, OMIM 310200.

Submission:

Labcorp Genetics (formerly Invitae), Labcorp
Classification: Pathogenic for Duchenne muscular dystrophy. Last evaluated: 2025-06-08. Review status: criteria provided, single submitter. Criteria: Invitae Variant Classification Sherloc (09022015). Collection method: clinical testing. Allele origin: germline.
Comment: This sequence change creates a premature translational stop signal (p.Trp2807*) in the DMD gene. It is expected to result in an absent or disrupted protein product. Loss-of-function variants in DMD are known to be pathogenic (PMID: 16770791, 25007885). This variant is not present in population databases (gnomAD no frequency). This premature translational stop signal has been observed in individual(s) with Duchenne muscular dystrophy (PMID: 17041906, 32559196). ClinVar contains an entry for this variant (Variation ID: 1322639). For these reasons, this variant has been classified as Pathogenic.

Literature cited by the submitters: PubMed 16770791; PubMed 25007885; PubMed 17041906; PubMed 32559196.

NM_004006.3(DMD):c.8420G>A (p.Trp2807Ter)

Gene: DMD (dystrophin; minus strand). Cytogenetic location: Xp21.2.
Variant type: single nucleotide variant.
Coding change: c.8420G>A on transcript NM_004006.3 (MANE Select); coding-DNA position 8420, G replaced by A.
Protein change: p.Trp2807Ter; replaces tryptophan 2807 with a stop codon.
Molecular consequence: nonsense.
Genome position (GRCh38, 1-based): chrX:31,496,915, C>T on the plus strand (G>A on the coding strand, the complement: DMD is on the minus strand). VCF-style: chrX-31496915-C-T. GRCh37 (hg19) VCF-style: chrX-31515032-C-T.
Other names: c.8396G>A, p.Trp2799Ter (NM_000109.4); c.8408G>A, p.Trp2803Ter (NM_004009.3); c.8051G>A, p.Trp2684Ter (NM_004010.3); c.4397G>A, p.Trp1466Ter (NM_004011.4); c.4388G>A, p.Trp1463Ter (NM_004012.4); c.1040G>A, p.Trp347Ter (NM_004013.3, NM_004020.4, NM_004021.3 and 2 more transcripts); c.233G>A, p.Trp78Ter (NM_004014.3); short protein forms W1463*, W1466*, W2684*, W2799*, W2803*, W2807*, W347*, W78*.
Identifiers: ClinVar variation 1322639 (VCV001322639.7), dbSNP rs2147076359, ClinGen allele CA412655627.